The following is an entry in ClinVar:

ClinVar aggregate classification (germline): Uncertain significance. Review status: criteria provided, multiple submitters, no conflicts (2 of 4 stars). 4 submissions from 4 submitters: Uncertain significance (4). Last evaluated 2025-06-23.

Conditions:
Hereditary cancer-predisposing syndrome. Also called: Tumor predisposition; Hereditary Cancer Syndrome; Neoplastic Syndromes, Hereditary; Hereditary neoplastic syndrome. Identifiers: Orphanet 140162, MedGen C0027672, MeSH D009386, MONDO:0015356.
Familial cancer of breast. Also called: Hereditary breast cancer; hereditary breast carcinoma; BREAST CANCER, FAMILIAL. Identifiers: Orphanet 227535, MedGen C0346153, MONDO:0016419, OMIM 114480. Disease mechanism: loss of function.
Fanconi anemia complementation group J. Also called: BRIP1-Related Fanconi Anemia. Identifiers: Orphanet 84, MedGen C1836860, MONDO:0012187, OMIM 609054.

Allele frequency attached by ClinVar (database versions not stated): gnomAD exomes 0.00001; TOPMed 0.00001; ExAC 0.00002.
gnomAD v4.1: 23 of 1,614,022 alleles (0.0014%); highest among the groups gnomAD compares: Non-Finnish European, 0.0019%; no homozygotes.

Submissions (4):

Ambry Genetics
Classification: Uncertain significance for Hereditary cancer-predisposing syndrome. Last evaluated: 2025-06-23. Review status: criteria provided, single submitter. Criteria: Ambry Variant Classification Scheme 2023. Collection method: clinical testing. Allele origin: germline.

GeneDx
Classification: Uncertain significance. Last evaluated: 2024-08-26. Review status: criteria provided, single submitter. Criteria: GeneDx Variant Classification Process June 2021. Collection method: clinical testing. Allele origin: germline. Affected: yes.
Comment: Not observed at significant frequency in large population cohorts (gnomAD); In silico analysis indicates that this missense variant does not alter protein structure/function; Has not been previously published as pathogenic or benign to our knowledge; This variant is associated with the following publications: (PMID: 11301010)

Labcorp Genetics (formerly Invitae), Labcorp
Classification: Uncertain significance for Familial cancer of breast; Fanconi anemia complementation group J. Last evaluated: 2024-05-22. Review status: criteria provided, single submitter. Criteria: Invitae Variant Classification Sherloc (09022015). Collection method: clinical testing. Allele origin: germline.
Comment: This sequence change replaces alanine, which is neutral and non-polar, with glycine, which is neutral and non-polar, at codon 939 of the BRIP1 protein (p.Ala939Gly). This variant is present in population databases (rs756490117, gnomAD 0.002%). This variant has not been reported in the literature in individuals affected with BRIP1-related conditions. ClinVar contains an entry for this variant (Variation ID: 448994). Advanced modeling of protein sequence and biophysical properties (such as structural, functional, and spatial information, amino acid conservation, physicochemical variation, residue mobility, and thermodynamic stability) performed at Invitae indicates that this missense variant is not expected to disrupt BRIP1 protein function with a negative predictive value of 80%. In summary, the available evidence is currently insufficient to determine the role of this variant in disease. Therefore, it has been classified as a Variant of Uncertain Significance.

Color Diagnostics, LLC DBA Color Health
Classification: Uncertain significance for Hereditary cancer-predisposing syndrome. Last evaluated: 2023-04-03. Review status: criteria provided, single submitter. Criteria: ACMG Guidelines, 2015. Collection method: clinical testing. Allele origin: germline.
Comment: This missense variant replaces alanine with glycine at codon 939 of the BRIP1 protein. Computational prediction suggests that this variant may not impact protein structure and function (internally defined REVEL score threshold <= 0.5, PMID: 27666373). To our knowledge, functional studies have not been reported for this variant. In a large international case-control study, this variant was reported in 1/60466 breast cancer cases and 3/53461 controls (PMID: 33471991). This variant has been identified in 2/251348 chromosomes in the general population by the Genome Aggregation Database (gnomAD). The available evidence is insufficient to determine the role of this variant in disease conclusively. Therefore, this variant is classified as a Variant of Uncertain Significance.

Literature cited by the submitters: PubMed 33471991 (cited by Color Diagnostics, LLC DBA Color Health).

NM_032043.3(BRIP1):c.2816C>G (p.Ala939Gly)

Gene: BRIP1 (BRCA1 interacting DNA helicase 1; minus strand). Cytogenetic location: 17q23.2.
Variant type: single nucleotide variant.
Coding change: c.2816C>G on transcript NM_032043.3 (MANE Select); coding-DNA position 2816, C replaced by G.
Protein change: p.Ala939Gly; replaces alanine 939 with glycine.
Molecular consequence: missense variant.
Genome position (GRCh38, 1-based): chr17:61,685,925, G>C on the plus strand (C>G on the coding strand, the complement: BRIP1 is on the minus strand). VCF-style: chr17-61685925-G-C. GRCh37 (hg19) VCF-style: chr17-59763286-G-C.
Other names: short protein forms A939G.
Identifiers: ClinVar variation 448994 (VCV000448994.23), dbSNP rs756490117, ClinGen allele CA8690454.